The following is an entry in ClinVar:

NM_001792.5(CDH2):c.1598+5G>A

Gene: CDH2 (cadherin 2; minus strand). Cytogenetic location: 18q12.1.
Variant type: single nucleotide variant.
Coding change: c.1598+5G>A on transcript NM_001792.5 (MANE Select); 5 bases into the intron after coding-DNA position 1598, G replaced by A.
Molecular consequence: intron variant.
Genome position (GRCh38, 1-based): chr18:27,990,092, C>T on the plus strand (G>A on the coding strand, the complement: CDH2 is on the minus strand). VCF-style: chr18-27990092-C-T. GRCh37 (hg19) VCF-style: chr18-25570056-C-T.
Other names: c.1505+5G>A (NM_001308176.2).
Identifiers: ClinVar variation 1486650 (VCV001486650.6), dbSNP rs779784455, ClinGen allele CA8923358.
Genomic context (GRCh38, chr18:27,990,092, plus strand): 5'-ATAAATTTTATGCACAGCATAGAACATAAGTAAGCTACAAAAACACTACAAACAGCATTT[C>T]ATACCTAATATTTTGCTGCATATATCGATCTGGGTCCTGAGCAGTGAATGTTGTCAACAT-3'

ClinVar aggregate classification (germline): Uncertain significance (1 of 4 stars; one submission).

Allele frequency attached by ClinVar (database versions not stated): gnomAD exomes below 0.00001 and 0.00002; TOPMed below 0.00001; ExAC 0.00001; gnomAD 0.00001.
gnomAD v4.1: 32 of 1,612,430 alleles (0.002%); highest among the groups gnomAD compares: Non-Finnish European, 0.0026%; no homozygotes.

Submission:

Labcorp Genetics (formerly Invitae), Labcorp
Classification: Uncertain significance. Last evaluated: 2022-12-02. Review status: criteria provided, single submitter. Criteria: Invitae Variant Classification Sherloc (09022015). Collection method: clinical testing. Allele origin: germline.
Comment: This sequence change falls in intron 10 of the CDH2 gene. It does not directly change the encoded amino acid sequence of the CDH2 protein. It affects a nucleotide within the consensus splice site. In summary, the available evidence is currently insufficient to determine the role of this variant in disease. Therefore, it has been classified as a Variant of Uncertain Significance. Variants that disrupt the consensus splice site are a relatively common cause of aberrant splicing (PMID: 17576681, 9536098). Algorithms developed to predict the effect of sequence changes on RNA splicing suggest that this variant is not likely to affect RNA splicing. ClinVar contains an entry for this variant (Variation ID: 1486650). This variant has not been reported in the literature in individuals affected with CDH2-related conditions. This variant is present in population databases (rs779784455, gnomAD 0.0009%).

Literature cited by the submitters: PubMed 17576681; PubMed 9536098.